The following is an entry in ClinVar:

ClinVar aggregate classification (germline): Uncertain significance (1 of 4 stars; one submission).

Conditions:
Muscular dystrophy-dystroglycanopathy (congenital with brain and eye anomalies), type a, 8 (MDDGA8). Also called: WALKER-WARBURG SYNDROME OR MUSCLE-EYE-BRAIN DISEASE, GTDC2-RELATED. Identifiers: Orphanet 899, MedGen C3553813, MONDO:0013904, OMIM 614830.

Submission:

Labcorp Genetics (formerly Invitae), Labcorp
Classification: Uncertain significance for Muscular dystrophy-dystroglycanopathy (congenital with brain and eye anomalies), type a, 8. Last evaluated: 2022-04-20. Review status: criteria provided, single submitter. Criteria: Invitae Variant Classification Sherloc (09022015). Collection method: clinical testing. Allele origin: germline.
Comment: This variant has not been reported in the literature in individuals affected with POMGNT2-related conditions. In summary, the available evidence is currently insufficient to determine the role of this variant in disease. Therefore, it has been classified as a Variant of Uncertain Significance. Algorithms developed to predict the effect of missense changes on protein structure and function output the following: SIFT: "Tolerated"; PolyPhen-2: "Benign"; Align-GVGD: "Class C0". The leucine amino acid residue is found in multiple mammalian species, which suggests that this missense change does not adversely affect protein function. This variant is not present in population databases (gnomAD no frequency). This sequence change replaces methionine, which is neutral and non-polar, with leucine, which is neutral and non-polar, at codon 271 of the POMGNT2 protein (p.Met271Leu).

NM_032806.6(POMGNT2):c.811A>C (p.Met271Leu)

Gene: POMGNT2 (protein O-linked mannose N-acetylglucosaminyltransferase 2 (beta 1,4-); minus strand). Cytogenetic location: 3p22.1.
Variant type: single nucleotide variant.
Coding change: c.811A>C on transcript NM_032806.6 (MANE Select); coding-DNA position 811, A replaced by C.
Protein change: p.Met271Leu; replaces methionine 271 with leucine.
Molecular consequence: missense variant.
Genome position (GRCh38, 1-based): chr3:43,080,621, T>G on the plus strand (A>C on the coding strand, the complement: POMGNT2 is on the minus strand). VCF-style: chr3-43080621-T-G. GRCh37 (hg19) VCF-style: chr3-43122113-T-G.
Other names: short protein forms M271L.
Identifiers: ClinVar variation 2028649 (VCV002028649.4), dbSNP rs767654904, ClinGen allele CA352302460.